The following is an entry in ClinVar:

NM_001142864.4(PIEZO1):c.5628_5631del (p.Lys1877fs)

Gene: PIEZO1 (piezo type mechanosensitive ion channel component 1 (Er blood group); minus strand). Cytogenetic location: 16q24.3.
Variant type: Microsatellite.
Coding change: c.5628_5631del on transcript NM_001142864.4 (MANE Select); coding-DNA positions 5628 to 5631, 4 bases deleted (GAAG; older notation c.5628_5631delGAAG).
Protein change: p.Lys1877fs; shifts the reading frame from lysine 1877.
Molecular consequence: frameshift variant.
Genome position (GRCh38, 1-based): chr16:88,721,203-88,721,206, CTTC deleted on the plus strand (GAAG on the coding strand, the reverse complement: PIEZO1 is on the minus strand); deleting any 4 consecutive bases within chr16:88,721,203-88,721,210 gives the same sequence; the c. name uses the placement nearest the transcript's 3' end. VCF-style (leftmost placement, unchanged base first): chr16-88721202-TCTTC-T. GRCh37 (hg19) VCF-style: chr16-88787610-TCTTC-T.
Other names: short protein forms K1877fs.
Identifiers: ClinVar variation 4823250 (VCV004823250.4).

ClinVar aggregate classification (germline): Uncertain significance (1 of 4 stars; one submission).

Submission:

CeGaT Center for Human Genetics Tuebingen
Classification: Uncertain significance. Last evaluated: 2026-06-01. Review status: criteria provided, single submitter. Criteria: CeGaT Center For Human Genetics Tuebingen Variant Classification Criteria Version 2. Collection method: clinical testing. Allele origin: germline. Affected: yes. Observed: 1 variant allele.
Comment: PIEZO1: PVS1:Strong